The following is an entry in ClinVar:

ClinVar aggregate classification (germline): Uncertain significance (1 of 4 stars; one submission).

Submission:

Women's Health and Genetics/Laboratory Corporation of America, LabCorp
Classification: Uncertain significance. Last evaluated: 2025-06-20. Review status: criteria provided, single submitter. Criteria: LabCorp Variant Classification Summary - May 2015. Collection method: clinical testing. Allele origin: germline.
Comment: Variant summary: NPHS1 c.3312_3315delinsATCA results in a synonymous change. Several computational tools predict a significant impact on normal splicing: Three predict the variant abolishes a cryptic 3' acceptor site. However, these predictions have yet to be confirmed by functional studies. The variant was absent in 251468 control chromosomes (gnomAD). The available data on variant occurrences in the general population are insufficient to allow any conclusion about variant significance. To our knowledge, no occurrence of c.3312_3315delinsATCA in individuals affected with Nephrotic Syndrome, Type 1 and no experimental evidence demonstrating its impact on protein function have been reported. No submitters have cited clinical-significance assessments for this variant to ClinVar. Based on the evidence outlined above, the variant was classified as uncertain significance.

NM_004646.4(NPHS1):c.3312_3315delinsATCA (p.Gly1104_Ser1105=)

Gene: NPHS1 (NPHS1 adhesion molecule, nephrin; minus strand). Cytogenetic location: 19q13.12.
Variant type: Indel.
Coding change: c.3312_3315delinsATCA on transcript NM_004646.4 (MANE Select); coding-DNA positions 3312 to 3315, GTCG replaced by ATCA.
Protein change: p.Gly1104_Ser1105=.
Molecular consequence: synonymous variant.
Genome position (GRCh38, 1-based): chr19:35,831,368-35,831,371, CGAC replaced by TGAT on the plus strand (GTCG replaced by ATCA on the coding strand, the reverse complement: NPHS1 is on the minus strand). VCF-style: chr19-35831368-CGAC-TGAT. GRCh37 (hg19) VCF-style: chr19-36322270-CGAC-TGAT.
Identifiers: ClinVar variation 3907599 (VCV003907599.1).
Genomic context (GRCh38, chr19:35,831,368, plus strand): 5'-AGTGTCCCGCTCTCCTGTCCACTGGCTCTCCTCATATTCGTTCCTGACTCGGTCCTCTTC[CGAC>TGAT]CTTCCAGGATGAAGGTGTGGGGGGAAGTTGAGTGCTGCCCCCCGCCACCAGTCTCCCCCA-3'